The following is an entry in ClinVar:

NM_030665.4(RAI1):c.4901C>G (p.Ser1634Cys)

Gene: RAI1 (retinoic acid induced 1; plus strand). Cytogenetic location: 17p11.2.
Variant type: single nucleotide variant.
Coding change: c.4901C>G on transcript NM_030665.4 (MANE Select); coding-DNA position 4901, C replaced by G.
Protein change: p.Ser1634Cys; replaces serine 1634 with cysteine.
Molecular consequence: missense variant.
Genome position (GRCh38, 1-based): chr17:17,797,849, C>G. VCF-style: chr17-17797849-C-G. GRCh37 (hg19) VCF-style: chr17-17701163-C-G.
Other names: c.4901C>G (NM_030665.3); short protein forms S1634C.
Identifiers: ClinVar variation 2848913 (VCV002848913.4), dbSNP rs767804365, ClinGen allele CA8419060.

ClinVar aggregate classification (germline): Uncertain significance. Review status: criteria provided, multiple submitters, no conflicts (2 of 4 stars). 2 submissions from 2 submitters: Uncertain significance (2). Last evaluated 2025-11-13.

Conditions:
RAI1-related disorder. Also called: RAI1-related condition.

Allele frequency attached by ClinVar (database versions not stated): gnomAD exomes 0.00001; ExAC 0.00002.
gnomAD v4.1: 6 of 1,614,034 alleles (0.00037%); highest among the groups gnomAD compares: South Asian, 0.0044%; no homozygotes.

Submissions (2):

PreventionGenetics, part of Exact Sciences
Classification: Uncertain significance for RAI1-related condition. Last evaluated: 2025-11-13. Review status: criteria provided, single submitter. Criteria: ACMG Guidelines, 2015. Collection method: clinical testing. Allele origin: germline.
Comment: The RAI1 c.4901C>G variant is predicted to result in the amino acid substitution p.Ser1634Cys. To our knowledge, this variant has not been reported in the literature. This variant is reported in 0.0033% of alleles in individuals of South Asian descent in gnomAD. At this time, the clinical significance of this variant is uncertain due to the absence of conclusive functional and genetic evidence.

Labcorp Genetics (formerly Invitae), Labcorp
Classification: Uncertain significance. Last evaluated: 2023-03-23. Review status: criteria provided, single submitter. Criteria: Invitae Variant Classification Sherloc (09022015). Collection method: clinical testing. Allele origin: germline.
Comment: In summary, the available evidence is currently insufficient to determine the role of this variant in disease. Therefore, it has been classified as a Variant of Uncertain Significance. An algorithm developed to predict the effect of missense changes on protein structure and function (PolyPhen-2) suggests that this variant is likely to be tolerated. This variant has not been reported in the literature in individuals affected with RAI1-related conditions. This sequence change replaces serine, which is neutral and polar, with cysteine, which is neutral and slightly polar, at codon 1634 of the RAI1 protein (p.Ser1634Cys). This variant is present in population databases (rs767804365, gnomAD 0.003%).